The following is an entry in ClinVar:

NM_002439.5(MSH3):c.2603A>T (p.Asp868Val)

Gene: MSH3 (mutS homolog 3; plus strand). Cytogenetic location: 5q14.1.
Variant type: single nucleotide variant.
Coding change: c.2603A>T on transcript NM_002439.5 (MANE Select); coding-DNA position 2603, A replaced by T.
Protein change: p.Asp868Val; replaces aspartic acid 868 with valine.
Molecular consequence: missense variant.
Genome position (GRCh38, 1-based): chr5:80,792,792, A>T. VCF-style: chr5-80792792-A-T. GRCh37 (hg19) VCF-style: chr5-80088611-A-T.
Other names: short protein forms D868V.
Identifiers: ClinVar variation 649940 (VCV000649940.14), dbSNP rs201676445, ClinGen allele CA3328301.
Genomic context (GRCh38, chr5:80,792,792, plus strand): 5'-GACCAACTGTACAAGAAGAAAGAAAAATTGTAATAAAAAATGGAAGGCACCCTGTGATTG[A>T]TGTGTTGCTGGGAGAACAGGATCAATATGTCCCAAATAATACAGATTTATCAGTAAGTAC-3'
Protein context (NP_002430.3, residues 858-878): VIKNGRHPVI[Asp868Val]VLLGEQDQYV

ClinVar aggregate classification (germline): Uncertain significance. Review status: criteria provided, multiple submitters, no conflicts (2 of 4 stars). 5 submissions from 5 submitters: Uncertain significance (5). Last evaluated 2026-01-26.

Conditions:
Hereditary cancer-predisposing syndrome. Also called: Neoplastic Syndromes, Hereditary; Tumor predisposition; Hereditary Cancer Syndrome; Hereditary neoplastic syndrome. Identifiers: Orphanet 140162, MedGen C0027672, MeSH D009386, MONDO:0015356.
Endometrial carcinoma. Also called: Endometrial carcinoma, somatic. Identifiers: MedGen C0476089, MONDO:0002447, OMIM 608089, HP:0012114.

Allele frequency attached by ClinVar (database versions not stated): gnomAD 0.00001; gnomAD exomes 0.00001 and 0.00002; ExAC 0.00002; TOPMed 0.00002; ESP Exome Variant Server 0.00008.
gnomAD v4.1: 34 of 1,613,464 alleles (0.0021%); highest among the groups gnomAD compares: Non-Finnish European, 0.0027%; no homozygotes.

Submissions (5):

Labcorp Genetics (formerly Invitae), Labcorp
Classification: Uncertain significance. Last evaluated: 2026-01-26. Review status: criteria provided, single submitter. Criteria: Invitae Variant Classification Sherloc (09022015). Collection method: clinical testing. Allele origin: germline.
Comment: This sequence change replaces aspartic acid, which is acidic and polar, with valine, which is neutral and non-polar, at codon 868 of the MSH3 protein (p.Asp868Val). This variant is present in population databases (rs201676445, gnomAD 0.01%). This variant has not been reported in the literature in individuals affected with MSH3-related conditions. ClinVar contains an entry for this variant (Variation ID: 649940). An algorithm developed to predict the effect of missense changes on protein structure and function (PolyPhen-2) suggests that this variant is likely to be disruptive. In summary, the available evidence is currently insufficient to determine the role of this variant in disease. Therefore, it has been classified as a Variant of Uncertain Significance.

GeneDx
Classification: Uncertain significance. Last evaluated: 2024-03-08. Review status: criteria provided, single submitter. Criteria: GeneDx Variant Classification Process June 2021. Collection method: clinical testing. Allele origin: germline. Affected: yes.
Comment: Not observed at significant frequency in large population cohorts (gnomAD); In silico analysis supports that this missense variant has a deleterious effect on protein structure/function; Has not been previously published as pathogenic or benign to our knowledge

Baylor Genetics
Classification: Uncertain significance for Endometrial carcinoma. Last evaluated: 2024-02-21. Review status: criteria provided, single submitter. Criteria: ACMG Guidelines, 2015. Collection method: clinical testing. Allele origin: unknown.

Ambry Genetics
Classification: Uncertain significance for Hereditary cancer-predisposing syndrome. Last evaluated: 2023-12-27. Review status: criteria provided, single submitter. Criteria: Ambry Variant Classification Scheme 2023. Collection method: clinical testing. Allele origin: germline.
Comment: The p.D868V variant (also known as c.2603A>T), located in coding exon 19 of the MSH3 gene, results from an A to T substitution at nucleotide position 2603. The aspartic acid at codon 868 is replaced by valine, an amino acid with highly dissimilar properties. This amino acid position is highly conserved in available vertebrate species. In addition, this alteration is predicted to be deleterious by in silico analysis. Since supporting evidence is limited at this time, the clinical significance of this alteration remains unclear.

Quest Diagnostics Nichols Institute San Juan Capistrano
Classification: Uncertain significance. Last evaluated: 2023-10-26. Review status: criteria provided, single submitter. Criteria: Quest Diagnostics criteria. Collection method: clinical testing. Allele origin: unknown.
Comment: The MSH3 c.2603A>T (p.Asp868Val) variant has not been reported in individuals with MSH3-related conditions in the published literature. The frequency of this variant in the general population, 0.000012 (3/251184 chromosomes (Genome Aggregation Database)), is uninformative in the assessment of its pathogenicity. Analysis of this variant using bioinformatics tools for the prediction of the effect of amino acid changes on protein structure and function yielded predictions that this variant is damaging. Based on the available information, we are unable to determine the clinical significance of this variant.